The following is an entry in ClinVar:

NM_000152.5(GAA):c.2804T>C (p.Leu935Pro)

Gene: GAA (alpha glucosidase; plus strand). Cytogenetic location: 17q25.3.
Variant type: single nucleotide variant.
Coding change: c.2804T>C on transcript NM_000152.5 (MANE Select); coding-DNA position 2804, T replaced by C.
Protein change: p.Leu935Pro; replaces leucine 935 with proline.
Molecular consequence: missense variant.
Genome position (GRCh38, 1-based): chr17:80,119,276, T>C. VCF-style: chr17-80119276-T-C. GRCh37 (hg19) VCF-style: chr17-78093075-T-C.
Other names: c.2804T>C, p.Leu935Pro (NM_001079803.3, NM_001079804.3, NM_001406741.1 and 1 more transcripts); short protein forms L935P.
Identifiers: ClinVar variation 4710434 (VCV004710434.2).

ClinVar aggregate classification (germline): Conflicting classifications of pathogenicity. Review status: criteria provided, conflicting classifications (1 of 4 stars). 2 submissions from 2 submitters: Likely pathogenic (1); Uncertain significance (1). Last evaluated 2026-07-01.

Conditions:
Glycogen storage disease, type II (IOPD). Also called: CARDIOMEGALIA GLYCOGENICA DIFFUSA; GLYCOGENOSIS, GENERALIZED, CARDIAC FORM; GSD II; Glycogen storage disease type 2; Acid maltase deficiency disease; Aglucosidase alfa. Identifiers: Orphanet 365, MedGen C0017921, MONDO:0009290, OMIM 232300.

Submissions (2):

Genomenon, Inc
Classification: Likely pathogenic for Glycogen storage disease, type II. Last evaluated: 2026-07-01. Review status: criteria provided, single submitter. Criteria: Genomenon Sequence Variant Interpretation Standards - Updated. Collection method: curation. Allele origin: germline. Affected: yes.
Comment: GAA p.Leu935Pro (c.2804T>C) is a missense variant that changes the amino acid at codon 935 from Leucine to Proline. This variant has been observed in at least one proband with a GAA-related disorder in the compound heterozygous and/or homozygous state (PMID:31193175). At least one functional study has demonstrated a substantial alteration in protein function relative to the wild-type (PMID:22644586). It is absent or not present at a significant frequency in gnomAD. In silico models predict that this variant is possibly or probably damaging. In conclusion, we classify GAA p.Leu935Pro (c.2804T>C) as a likely pathogenic variant.

Labcorp Genetics (formerly Invitae), Labcorp
Classification: Uncertain significance for Glycogen storage disease, type II. Last evaluated: 2025-05-22. Review status: criteria provided, single submitter. Criteria: Invitae Variant Classification Sherloc (09022015). Collection method: clinical testing. Allele origin: germline.
Comment: This sequence change replaces leucine, which is neutral and non-polar, with proline, which is neutral and non-polar, at codon 935 of the GAA protein (p.Leu935Pro). This variant is not present in population databases (gnomAD no frequency). This missense change has been observed in individual(s) with Pompe disease (PMID: 18425781, 22644586; internal data). Invitae Evidence Modeling of protein sequence and biophysical properties (such as structural, functional, and spatial information, amino acid conservation, physicochemical variation, residue mobility, and thermodynamic stability) indicates that this missense variant is not expected to disrupt GAA protein function with a negative predictive value of 95%. Experimental studies have shown that this missense change affects GAA function (PMID: 21972175, 22644586). In summary, the available evidence is currently insufficient to determine the role of this variant in disease. Therefore, it has been classified as a Variant of Uncertain Significance.

Literature cited by the submitters: PubMed 31193175 (cited by Genomenon, Inc); PubMed 22644586 (cited by Genomenon, Inc and Labcorp Genetics (formerly Invitae), Labcorp); PubMed 18425781 (cited by Labcorp Genetics (formerly Invitae), Labcorp); PubMed 21972175 (cited by Labcorp Genetics (formerly Invitae), Labcorp).